The following is an entry in ClinVar:

NM_015338.6(ASXL1):c.2923T>C (p.Cys975Arg)

Gene: ASXL1 (ASXL transcriptional regulator 1; plus strand). Cytogenetic location: 20q11.21.
Variant type: single nucleotide variant.
Coding change: c.2923T>C on transcript NM_015338.6 (MANE Select); coding-DNA position 2923, T replaced by C.
Protein change: p.Cys975Arg; replaces cysteine 975 with arginine.
Molecular consequence: missense variant.
Genome position (GRCh38, 1-based): chr20:32,435,635, T>C. VCF-style: chr20-32435635-T-C. GRCh37 (hg19) VCF-style: chr20-31023438-T-C.
Other names: c.2740T>C, p.Cys914Arg (NM_001363734.1); short protein forms C914R, C975R.
Identifiers: ClinVar variation 3792771 (VCV003792771.1).

ClinVar aggregate classification (germline): Uncertain significance (1 of 4 stars; one submission).

Conditions:
Inborn genetic diseases. Identifiers: MedGen C0950123, MeSH D030342.

Submission:

Ambry Genetics
Classification: Uncertain significance for Inborn genetic diseases. Last evaluated: 2025-01-25. Review status: criteria provided, single submitter. Criteria: Ambry Variant Classification Scheme 2023. Collection method: clinical testing. Allele origin: germline.
Comment: The p.C975R variant (also known as c.2923T>C), located in coding exon 13 of the ASXL1 gene, results from a T to C substitution at nucleotide position 2923. The cysteine at codon 975 is replaced by arginine, an amino acid with highly dissimilar properties. This amino acid position is conserved. In addition, this alteration is predicted to be tolerated by in silico analysis. Based on the available evidence, the clinical significance of this variant remains unclear.